The following is an entry in ClinVar:

NM_014846.4(WASHC5):c.1960A>G (p.Thr654Ala)

Gene: WASHC5 (WASH complex subunit 5; minus strand). Cytogenetic location: 8q24.13.
Variant type: single nucleotide variant.
Coding change: c.1960A>G on transcript NM_014846.4 (MANE Select); coding-DNA position 1960, A replaced by G.
Protein change: p.Thr654Ala; replaces threonine 654 with alanine.
Molecular consequence: missense variant.
Genome position (GRCh38, 1-based): chr8:125,056,733, T>C on the plus strand (A>G on the coding strand, the complement: WASHC5 is on the minus strand). VCF-style: chr8-125056733-T-C. GRCh37 (hg19) VCF-style: chr8-126068975-T-C.
Other names: c.1516A>G, p.Thr506Ala (NM_001330609.2); short protein forms T506A, T654A.
Identifiers: ClinVar variation 1949143 (VCV001949143.5), dbSNP rs1586359618, ClinGen allele CA372190991.

ClinVar aggregate classification (germline): Uncertain significance (1 of 4 stars; one submission).

Conditions:
Hereditary spastic paraplegia 8 (SPG8). Also called: SPASTIC PARAPLEGIA 8, AUTOSOMAL DOMINANT. Identifiers: Orphanet 100989, MedGen C1863704, MONDO:0011339, OMIM 603563.
Ritscher-Schinzel syndrome. Also called: CRANIOCEREBELLOCARDIAC DYSPLASIA. Identifiers: Orphanet 7, MedGen C0796137, MONDO:0019078.

Submission:

Labcorp Genetics (formerly Invitae), Labcorp
Classification: Uncertain significance for Ritscher-Schinzel syndrome; Hereditary spastic paraplegia 8. Last evaluated: 2022-08-11. Review status: criteria provided, single submitter. Criteria: Invitae Variant Classification Sherloc (09022015). Collection method: clinical testing. Allele origin: germline.
Comment: This sequence change replaces threonine, which is neutral and polar, with alanine, which is neutral and non-polar, at codon 654 of the WASHC5 protein (p.Thr654Ala). This variant is not present in population databases (gnomAD no frequency). This variant has not been reported in the literature in individuals affected with WASHC5-related conditions. Algorithms developed to predict the effect of missense changes on protein structure and function are either unavailable or do not agree on the potential impact of this missense change (SIFT: "Tolerated"; PolyPhen-2: "Probably Damaging"; Align-GVGD: "Class C0"). In summary, the available evidence is currently insufficient to determine the role of this variant in disease. Therefore, it has been classified as a Variant of Uncertain Significance.